The following is an entry in ClinVar:

ClinVar aggregate classification (germline): Uncertain significance. Review status: criteria provided, multiple submitters, no conflicts (2 of 4 stars). 5 submissions from 5 submitters: Uncertain significance (5). Last evaluated 2026-06-17.

Conditions:
Cardiomyopathy (CMYO). Also called: Cardiomyopathies. Identifiers: Orphanet 167848, MedGen C0878544, MONDO:0004994, HP:0001638. Inheritance: Various modes of inheritance.
Cardiovascular phenotype. Identifiers: MedGen CN230736.
ANKRD1-related dilated cardiomyopathy. Identifiers: MedGen CN119551.

Allele frequency attached by ClinVar (database versions not stated): gnomAD exomes 0.00003; gnomAD 0.00003; TOPMed 0.00005.

Submissions (5):

Women's Health and Genetics/Laboratory Corporation of America, LabCorp
Classification: Uncertain significance. Last evaluated: 2026-06-17. Review status: criteria provided, single submitter. Criteria: LabCorp Variant Classification Summary - May 2015. Collection method: clinical testing. Allele origin: germline.
Comment: Variant summary: ANKRD1 c.388G>T (p.Glu130X) results in a premature termination codon, predicted to cause a truncation of the encoded protein or absence of the protein due to nonsense mediated decay, however current evidence is not sufficient to establish loss of function as a mechanism for disease. The variant allele was found at a frequency of 3.2e-05 in 250092 control chromosomes (gnomAD). The available data on variant occurrences in the general population are insufficient to allow any conclusion about variant significance. c.388G>T has been observed in one individual affected with Dilated Cardiomyopathy (Mazzarotto_2020). The report does not provide unequivocal conclusions about association of the variant with disease. To our knowledge, no experimental evidence demonstrating an impact on protein function has been reported. The following publication have been ascertained in the context of this evaluation (PMID: 31983221). ClinVar contains an entry for this variant (Variation ID: 520329). Based on the evidence outlined above, the variant was classified as uncertain significance.

Dasa
Classification: Uncertain significance. Last evaluated: 2025-08-14. Review status: criteria provided, single submitter. Criteria: DASA Assertion Criteria. Collection method: clinical testing. Allele origin: germline.
Comment: NM_014391.3(ANKRD1):c.388G>T (p.Glu130*) is a nonsense variant in ANKRD1 predicted to introduce a premature termination codon. This variant is rare in population databases. The currently available literature and clinical evidence are not sufficient to establish a definitive association between this variant and the reported condition. Therefore, this variant is classified as a variant of uncertain significance.

Ambry Genetics
Classification: Uncertain significance for Cardiovascular phenotype. Last evaluated: 2025-05-28. Review status: criteria provided, single submitter. Criteria: Ambry Variant Classification Scheme 2023. Collection method: clinical testing. Allele origin: germline.
Comment: The p.E130* variant (also known as c.388G>T), located in coding exon 4 of the ANKRD1 gene, results from a G to T substitution at nucleotide position 388. This changes the amino acid from a glutamic acid to a stop codon within coding exon 4. This alteration is expected to result in loss of function by premature protein truncation or nonsense-mediated mRNA decay. However, loss of function of ANKRD1 has not been clearly established as a mechanism of disease. In addition, the evidence for this gene-disease relationship is limited; therefore, the clinical significance of this alteration is unclear.

Labcorp Genetics (formerly Invitae), Labcorp
Classification: Uncertain significance for ANKRD1-related dilated cardiomyopathy. Last evaluated: 2025-02-16. Review status: criteria provided, single submitter. Criteria: Invitae Variant Classification Sherloc (09022015). Collection method: clinical testing. Allele origin: germline.
Comment: This sequence change creates a premature translational stop signal (p.Glu130*) in the ANKRD1 gene. It is expected to result in an absent or disrupted protein product. However, the current clinical and genetic evidence is not sufficient to establish whether loss-of-function variants in ANKRD1 cause disease. This variant is present in population databases (no rsID available, gnomAD 0.02%). This premature translational stop signal has been observed in individual(s) with dilated cardiomyopathy (PMID: 31983221). ClinVar contains an entry for this variant (Variation ID: 520329). In summary, the available evidence is currently insufficient to determine the role of this variant in disease. Therefore, it has been classified as a Variant of Uncertain Significance.

CHEO Genetics Diagnostic Laboratory, Children's Hospital of Eastern Ontario
Classification: Uncertain significance for Cardiomyopathy. Last evaluated: 2016-04-11. Review status: criteria provided, single submitter. Criteria: ACMG Guidelines, 2015. Collection method: clinical testing. Allele origin: germline. Study: Canadian Open Genetics Repository.

Literature cited by the submitters: PubMed 31983221 (cited by Women's Health and Genetics/Laboratory Corporation of America, LabCorp and Labcorp Genetics (formerly Invitae), Labcorp).

NM_014391.3(ANKRD1):c.388G>T (p.Glu130Ter)

Gene: ANKRD1 (ankyrin repeat domain 1; minus strand). Cytogenetic location: 10q23.31.
Variant type: single nucleotide variant.
Coding change: c.388G>T on transcript NM_014391.3 (MANE Select); coding-DNA position 388, G replaced by T.
Protein change: p.Glu130Ter; replaces glutamic acid 130 with a stop codon.
Molecular consequence: nonsense.
Genome position (GRCh38, 1-based): chr10:90,918,930, C>A on the plus strand (G>T on the coding strand, the complement: ANKRD1 is on the minus strand). VCF-style: chr10-90918930-C-A. GRCh37 (hg19) VCF-style: chr10-92678687-C-A.
Other names: short protein forms E130*.
Identifiers: ClinVar variation 520329 (VCV000520329.18), dbSNP rs1048316962, ClinGen allele CA211424309.